The following is an entry in ClinVar:

ClinVar aggregate classification (germline): Conflicting classifications of pathogenicity. Review status: criteria provided, conflicting classifications (1 of 4 stars). 6 submissions from 6 submitters: Uncertain significance (2); Likely benign (2). 2 of the submissions do not count toward it. Last evaluated 2025-04-07.

Conditions:
Zellweger spectrum disorders (ZS). Also called: Zellweger Spectrum Disorder; Zellweger Spectrum; Zellweger syndrome; Zellweger Spectrum Disorder (ZSD). Identifiers: Orphanet 912, MedGen C0043459, MONDO:0019609.
PEX6-related disorder. Also called: PEX6-related condition; PEX6-related disorders.
Peroxisome biogenesis disorder 4A (Zellweger) (PBD4A). Also called: Zellweger syndrome spectrum (PEX6-related). Identifiers: Orphanet 912, MedGen C3553936, MONDO:0013930, OMIM 614862. Disease mechanism: loss of function.
Peroxisome biogenesis disorder. Identifiers: Orphanet 79189, MedGen C1832200, MONDO:0019234. Disease mechanism: loss of function.

Allele frequency attached by ClinVar (database versions not stated): ExAC 0.00006; gnomAD 0.00007 and 0.00029; gnomAD exomes 0.00007 and 0.00010; TOPMed 0.00039; 1000 Genomes Project 30x 0.00078; 1000 Genomes Project 0.00080.
gnomAD v4.1: 197 of 1,614,154 alleles (0.012%); highest among the groups gnomAD compares: South Asian, 0.041%; 2 homozygotes.

Submissions (6):

Labcorp Genetics (formerly Invitae), Labcorp
Classification: Likely benign for Peroxisome biogenesis disorder. Last evaluated: 2025-04-07. Review status: criteria provided, single submitter. Criteria: Invitae Variant Classification Sherloc (09022015). Collection method: clinical testing. Allele origin: germline.

Blueprint Genetics
Classification: Likely benign. Last evaluated: 2024-11-13. Review status: criteria provided, single submitter. Criteria: ACMG Guidelines, 2015. Collection method: clinical testing. Allele origin: germline.

Eurofins Ntd Llc (ga)
Classification: Uncertain significance. Last evaluated: 2018-02-09. Review status: criteria provided, single submitter. Criteria: EGL ClinVar v180209 classification definitions. Collection method: clinical testing. Allele origin: germline. Observed: 2 variant alleles, 2 heterozygotes.

Illumina Laboratory Services, Illumina
Classification: Uncertain significance for Peroxisome biogenesis disorder 4A (Zellweger). Last evaluated: 2018-01-12. Review status: criteria provided, single submitter. Criteria: ICSL Variant Classification Criteria 13 December 2019. Collection method: clinical testing. Allele origin: germline.

PreventionGenetics, part of Exact Sciences
Classification: Likely benign for PEX6-related condition. Last evaluated: 2023-02-03. Review status: no assertion criteria provided. Collection method: clinical testing. Allele origin: germline. Not counted in ClinVar's aggregate classification.
Comment: This variant is classified as likely benign based on ACMG/AMP sequence variant interpretation guidelines (Richards et al. 2015 PMID: 25741868, with internal and published modifications).

Natera, Inc.
Classification: Likely benign for Zellweger syndrome. Last evaluated: 2020-03-05. Review status: no assertion criteria provided. Collection method: clinical testing. Allele origin: germline. Not counted in ClinVar's aggregate classification.

NM_000287.4(PEX6):c.2700C>T (p.Asn900=)

Gene: PEX6 (peroxisomal biogenesis factor 6; minus strand). Cytogenetic location: 6p21.1.
Variant type: single nucleotide variant.
Coding change: c.2700C>T on transcript NM_000287.4 (MANE Select); coding-DNA position 2700, C replaced by T.
Protein change: p.Asn900=; no amino-acid change (asparagine 900 retained).
Molecular consequence: synonymous variant. On other transcripts: non-coding transcript variant (1).
Genome position (GRCh38, 1-based): chr6:42,964,896, G>A on the plus strand (C>T on the coding strand, the complement: PEX6 is on the minus strand). VCF-style: chr6-42964896-G-A. GRCh37 (hg19) VCF-style: chr6-42932634-G-A.
Other names: c.2436C>T, p.Asn812= (NM_001316313.2).
Identifiers: ClinVar variation 290080 (VCV000290080.22), dbSNP rs533766104, ClinGen allele CA3810929.